The following is an entry in ClinVar:

ClinVar aggregate classification (germline): Uncertain significance. Review status: criteria provided, multiple submitters, no conflicts (2 of 4 stars). 3 submissions from 3 submitters: Uncertain significance (3). Last evaluated 2025-06-10.

Conditions:
Inborn genetic diseases. Identifiers: MedGen C0950123, MeSH D030342.

Allele frequency attached by ClinVar (database versions not stated): gnomAD exomes 0.00002; ExAC 0.00005; gnomAD 0.00013; TOPMed 0.00015; 1000 Genomes Project 30x 0.00016; 1000 Genomes Project 0.00020; ESP Exome Variant Server 0.00031.
gnomAD v4.1: 50 of 1,614,038 alleles (0.0031%); highest among the groups gnomAD compares: African/African-American, 0.053%; no homozygotes.

Submissions (3):

Ambry Genetics
Classification: Uncertain significance for Inborn genetic diseases. Last evaluated: 2025-06-10. Review status: criteria provided, single submitter. Criteria: Ambry Variant Classification Scheme 2023. Collection method: clinical testing. Allele origin: germline.

GeneDx
Classification: Uncertain significance. Last evaluated: 2025-03-02. Review status: criteria provided, single submitter. Criteria: GeneDx Variant Classification Process June 2021. Collection method: clinical testing. Allele origin: germline. Affected: yes.
Comment: In silico analysis supports a deleterious effect on splicing; In silico analysis indicates that this missense variant does not alter protein structure/function; Has not been previously published as pathogenic or benign to our knowledge

Blueprint Genetics
Classification: Uncertain significance. Last evaluated: 2022-05-13. Review status: criteria provided, single submitter. Criteria: ACMG Guidelines, 2015. Collection method: clinical testing. Allele origin: germline.

NM_005559.4(LAMA1):c.3982C>A (p.Gln1328Lys)

Gene: LAMA1 (laminin subunit alpha 1; minus strand). Cytogenetic location: 18p11.31.
Variant type: single nucleotide variant.
Coding change: c.3982C>A on transcript NM_005559.4 (MANE Select); coding-DNA position 3982, C replaced by A.
Protein change: p.Gln1328Lys; replaces glutamine 1328 with lysine.
Molecular consequence: missense variant.
Genome position (GRCh38, 1-based): chr18:7,009,258, G>T on the plus strand (C>A on the coding strand, the complement: LAMA1 is on the minus strand). VCF-style: chr18-7009258-G-T. GRCh37 (hg19) VCF-style: chr18-7009257-G-T.
Other names: short protein forms Q1328K.
Identifiers: ClinVar variation 2443509 (VCV002443509.4), dbSNP rs370235290, ClinGen allele CA8882083.
Genomic context (GRCh38, chr18:7,009,258, plus strand): 5'-AATATGAAAATAACGGTCAAAATTCTAGAAGCTCCAAGTACCTGCTCTGCTGTAATCCTT[G>T]ACCATACGATGCCTTGATGAGGATGTACTCAATATCGCTGAGGACAGACATAAAATCCTC-3'
Protein context (NP_005550.2, residues 1318-1338): EYILIKASYG[Gln1328Lys]GLQQSRISDI